The following is an entry in ClinVar:

ClinVar aggregate classification (germline): Uncertain significance (1 of 4 stars; one submission).

Conditions:
Primary ciliary dyskinesia. Also called: Ciliary dyskinesia. Identifiers: Orphanet 244, MedGen C0008780, MONDO:0016575, HP:0012265.

Submission:

Labcorp Genetics (formerly Invitae), Labcorp
Classification: Uncertain significance for Primary ciliary dyskinesia. Last evaluated: 2025-02-13. Review status: criteria provided, single submitter. Criteria: Invitae Variant Classification Sherloc (09022015). Collection method: clinical testing. Allele origin: germline.
Comment: This sequence change falls in intron 13 of the RPGR gene. It does not directly change the encoded amino acid sequence of the RPGR protein. This variant is not present in population databases (gnomAD no frequency). This variant has not been reported in the literature in individuals affected with RPGR-related conditions. Algorithms developed to predict the effect of sequence changes on RNA splicing suggest that this variant may disrupt the consensus splice site. In summary, the available evidence is currently insufficient to determine the role of this variant in disease. Therefore, it has been classified as a Variant of Uncertain Significance.

NM_001034853.2(RPGR):c.1573-6T>G

Gene: RPGR (retinitis pigmentosa GTPase regulator; minus strand). Cytogenetic location: Xp11.4.
Variant type: single nucleotide variant.
Coding change: c.1573-6T>G on transcript NM_001034853.2 (MANE Select); 6 bases into the intron before coding-DNA position 1573, T replaced by G.
Molecular consequence: intron variant.
Genome position (GRCh38, 1-based): chrX:38,288,047, A>C on the plus strand (T>G on the coding strand, the complement: RPGR is on the minus strand). VCF-style: chrX-38288047-A-C. GRCh37 (hg19) VCF-style: chrX-38147300-A-C.
Other names: c.1387-6T>G (NM_001367246.1); c.1572+2912T>G (NM_001367247.1); c.1573-6T>G (NM_000328.3); c.1602+2912T>G (NM_001367248.1); c.1569+2912T>G (NM_001367249.1, NM_001367250.1); c.1570-6T>G (NM_001367245.1); c.1386+2912T>G (NM_001367251.1).
Identifiers: ClinVar variation 4797319 (VCV004797319.1).